The following is an entry in ClinVar:

NM_002016.2(FLG):c.8251T>A (p.Ser2751Thr)

Genes: CCDST (cervical cancer associated DHX9 suppressive transcript; plus strand), FLG (filaggrin; minus strand). Cytogenetic location: 1q21.3.
Variant type: single nucleotide variant.
Coding change: c.8251T>A on transcript NM_002016.2 (MANE Select); coding-DNA position 8251, T replaced by A.
Protein change: p.Ser2751Thr; replaces serine 2751 with threonine.
Molecular consequence: missense variant.
Genome position (GRCh38, 1-based): chr1:152,306,635, A>T on the plus strand (T>A on the coding strand, the complement: FLG is on the minus strand). VCF-style: chr1-152306635-A-T. GRCh37 (hg19) VCF-style: chr1-152279111-A-T.
Other names: short protein forms S2751T.
Identifiers: ClinVar variation 2229259 (VCV002229259.26), dbSNP rs759932069, ClinGen allele CA1104365.
Genomic context (GRCh38, chr1:152,306,635, plus strand): 5'-GTGCCTGCTCATGGCGGGATCCTTGTCTTCCTCTAGTGCTGGGCCCCGTCCATCCATGGG[A>T]GGACTCAGACTGTTCATGAGTGCTCACCTGGTAGAGGAAAGATCCTGAATGTCCAGACGT-3'
Protein context (NP_002007.1, residues 2741-2761): QVSTHEQSES[Ser2751Thr]HGWTGPSTRG

ClinVar aggregate classification (germline): Likely benign. Review status: criteria provided, multiple submitters, no conflicts (2 of 4 stars). 2 submissions from 2 submitters: Likely benign (2). Last evaluated 2026-08-01.

Conditions:
Inborn genetic diseases. Identifiers: MedGen C0950123, MeSH D030342.

Allele frequency attached by ClinVar (database versions not stated): gnomAD 0.00041; ExAC 0.00138; 1000 Genomes Project 30x 0.00172.

Submissions (2):

CeGaT Center for Human Genetics Tuebingen
Classification: Likely benign. Last evaluated: 2026-08-01. Review status: criteria provided, single submitter. Criteria: CeGaT Center For Human Genetics Tuebingen Variant Classification Criteria Version 2. Collection method: clinical testing. Allele origin: germline. Affected: yes. Observed: 3 variant alleles.
Comment: FLG: BP4, BS2

Ambry Genetics
Classification: Likely benign for Inborn genetic diseases. Last evaluated: 2022-12-02. Review status: criteria provided, single submitter. Criteria: Ambry Variant Classification Scheme 2023. Collection method: clinical testing. Allele origin: germline.